The following is an entry in ClinVar:

ClinVar aggregate classification (germline): Uncertain significance (1 of 4 stars; one submission).

Conditions:
Regional enteritis. Also called: Enteritis, Granulomatous. Identifiers: MedGen C0678202, MeSH D003424.
Blau syndrome (BLAUS). Also called: ARTHROCUTANEOUVEAL GRANULOMATOSIS; GRANULOMATOSIS, FAMILIAL JUVENILE SYSTEMIC; GRANULOMATOSIS, FAMILIAL, BLAU TYPE; GRANULOMATOUS INFLAMMATORY ARTHRITIS, DERMATITIS, AND UVEITIS, FAMILIAL; JABS SYNDROME. Identifiers: Orphanet 90340, MedGen C5201146, MONDO:0008523, OMIM 186580.

Submission:

Labcorp Genetics (formerly Invitae), Labcorp
Classification: Uncertain significance for Regional enteritis; Blau syndrome. Last evaluated: 2023-03-23. Review status: criteria provided, single submitter. Criteria: Invitae Variant Classification Sherloc (09022015). Collection method: clinical testing. Allele origin: germline.
Comment: This sequence change replaces glutamine, which is neutral and polar, with proline, which is neutral and non-polar, at codon 889 of the NOD2 protein (p.Gln889Pro). This variant is not present in population databases (gnomAD no frequency). This variant has not been reported in the literature in individuals affected with NOD2-related conditions. Advanced modeling of protein sequence and biophysical properties (such as structural, functional, and spatial information, amino acid conservation, physicochemical variation, residue mobility, and thermodynamic stability) performed at Invitae indicates that this missense variant is not expected to disrupt NOD2 protein function. Experimental studies have shown that this missense change does not substantially affect NOD2 function (PMID: 15044951). In summary, the available evidence is currently insufficient to determine the role of this variant in disease. Therefore, it has been classified as a Variant of Uncertain Significance.

Literature cited by the submitters: PubMed 15044951.

NM_001370466.1(NOD2):c.2585A>C (p.Gln862Pro)

Gene: NOD2 (nucleotide binding oligomerization domain containing 2; plus strand). Cytogenetic location: 16q12.1.
Variant type: single nucleotide variant.
Coding change: c.2585A>C on transcript NM_001370466.1 (MANE Select); coding-DNA position 2585, A replaced by C.
Protein change: p.Gln862Pro; replaces glutamine 862 with proline.
Molecular consequence: missense variant. On other transcripts: non-coding transcript variant (1).
Genome position (GRCh38, 1-based): chr16:50,719,960, A>C. VCF-style: chr16-50719960-A-C. GRCh37 (hg19) VCF-style: chr16-50753871-A-C.
Other names: c.2585A>C, p.Gln862Pro (NM_001293557.2); c.2666A>C, p.Gln889Pro (NM_022162.3); short protein forms Q862P, Q889P.
Identifiers: ClinVar variation 2945691 (VCV002945691.3), dbSNP rs2506489969, ClinGen allele CA395874350.